The following is an entry in ClinVar:

NM_001166108.2(PALLD):c.2855G>T (p.Ser952Ile)

Genes: CBR4 (carbonyl reductase 4; minus strand), PALLD (palladin, cytoskeletal associated protein; plus strand). Cytogenetic location: 4q32.3.
Variant type: single nucleotide variant.
Coding change: c.2855G>T on transcript NM_001166108.2 (MANE Select); coding-DNA position 2855, G replaced by T.
Protein change: p.Ser952Ile; replaces serine 952 with isoleucine.
Molecular consequence: missense variant.
Genome position (GRCh38, 1-based): chr4:168,921,538, G>T. VCF-style: chr4-168921538-G-T. GRCh37 (hg19) VCF-style: chr4-169842689-G-T.
Other names: c.1658G>T, p.Ser553Ile (NM_001166109.2); c.1343G>T, p.Ser448Ile (NM_001166110.2); c.683G>T, p.Ser228Ile (NM_001367567.1, NM_001367569.1); c.734G>T, p.Ser245Ile (NM_001367568.1, NM_001367570.1); c.2804G>T, p.Ser935Ile (NM_016081.4); short protein forms S228I, S245I, S935I, S952I, S448I, S553I.
Identifiers: ClinVar variation 4564190 (VCV004564190.1).
Genomic context (GRCh38, chr4:168,921,538, plus strand): 5'-AGTGATTTCACTCTGTTTTAATACAAAAATTTACATGTATTTCTTTTATGATTTAGGTCA[G>T]TGGGTTACCAACCCCAGATCTAAGCTGGCAACTAGATGGAAAGCCCGTACGCCCTGACAG-3'
Protein context (NP_001159580.1, residues 942-962): GKLCRMDCKV[Ser952Ile]GLPTPDLSWQ

ClinVar aggregate classification (germline): Uncertain significance (1 of 4 stars; one submission).

Submission:

Ambry Genetics
Classification: Uncertain significance. Last evaluated: 2025-11-25. Review status: criteria provided, single submitter. Criteria: Ambry Variant Classification Scheme 2023. Collection method: clinical testing. Allele origin: germline.
Comment: The p.S448I variant (also known as c.1343G>T), located in coding exon 8 of the PALLD gene, results from a G to T substitution at nucleotide position 1343. The serine at codon 448 is replaced by isoleucine, an amino acid with dissimilar properties. This amino acid position is conserved. In addition, this alteration is predicted to be deleterious by in silico analysis. Based on the available evidence, the clinical significance of this variant remains unclear.